The following is an entry in ClinVar:

ClinVar aggregate classification (germline): Likely benign (1 of 4 stars; one submission).

Conditions:
Spinocerebellar ataxia type 11 (SCA11). Identifiers: Orphanet 98767, MedGen C1858351, MONDO:0011464, OMIM 604432.

Allele frequency attached by ClinVar (database versions not stated): TOPMed 0.00031; gnomAD 0.00034 and 0.00036; ExAC 0.00036; gnomAD exomes 0.00047; ESP Exome Variant Server 0.00058.
gnomAD v4.1: 396 of 1,612,972 alleles (0.025%); highest among the groups gnomAD compares: Non-Finnish European, 0.0038%; 1 homozygote.

Submission:

Illumina Laboratory Services, Illumina
Classification: Likely benign for Spinocerebellar ataxia type 11. Last evaluated: 2018-01-12. Review status: criteria provided, single submitter. Criteria: ICSL Variant Classification Criteria 13 December 2019. Collection method: clinical testing. Allele origin: germline.
Comment: This variant was observed in the ICSL laboratory as part of a predisposition screen in an ostensibly healthy population. It had not been previously curated by ICSL or reported in the Human Gene Mutation Database (HGMD: prior to June 1st, 2018), and was therefore a candidate for classification through an automated scoring system. Utilizing variant allele frequency, disease prevalence and penetrance estimates, and inheritance mode, an automated score was calculated to assess if this variant is too frequent to cause the disease. Based on the score and internal cut-off values, a variant classified as likely benign is not then subjected to further curation. The score for this variant resulted in a classification of likely benign for this disease.

NM_173500.4(TTBK2):c.-51C>T

Gene: TTBK2 (tau tubulin kinase 2; minus strand). Cytogenetic location: 15q15.2.
Variant type: single nucleotide variant.
Coding change: c.-51C>T on transcript NM_173500.4 (MANE Select); 51 bases upstream of the start codon, C replaced by T.
Molecular consequence: 5 prime UTR variant.
Genome position (GRCh38, 1-based): chr15:42,878,668, G>A on the plus strand (C>T on the coding strand, the complement: TTBK2 is on the minus strand). VCF-style: chr15-42878668-G-A. GRCh37 (hg19) VCF-style: chr15-43170866-G-A.
Identifiers: ClinVar variation 315999 (VCV000315999.5), dbSNP rs374364415, ClinGen allele CA7517628.
Genomic context (GRCh38, chr15:42,878,668, plus strand): 5'-CCCCACTCATTGCAATACACTGATATGGTAGAACAGCTACACAGGCATCCAGTTCCCAAG[G>A]GTGGTTTCCATTTAACCTAAAACAACAACAACAAAAAATAGTAGCAGTATTTAGGGTTAA-3'